The following is an entry in ClinVar:

ClinVar aggregate classification (germline): Uncertain significance (1 of 4 stars; one submission).

Conditions:
Hereditary cancer-predisposing syndrome. Also called: Neoplastic Syndromes, Hereditary; Tumor predisposition; Hereditary neoplastic syndrome; Hereditary Cancer Syndrome. Identifiers: Orphanet 140162, MedGen C0027672, MeSH D009386, MONDO:0015356.

Submission:

Ambry Genetics
Classification: Uncertain significance for Hereditary cancer-predisposing syndrome. Last evaluated: 2022-11-02. Review status: criteria provided, single submitter. Criteria: Ambry Variant Classification Scheme 2023. Collection method: clinical testing. Allele origin: germline.
Comment: The p.P586T variant (also known as c.1756C>A), located in coding exon 6 of the BLM gene, results from a C to A substitution at nucleotide position 1756. The proline at codon 586 is replaced by threonine, an amino acid with highly similar properties. This amino acid position is conserved. In addition, this alteration is predicted to be tolerated by in silico analysis. Since supporting evidence is limited at this time, the clinical significance of this alteration remains unclear.

NM_000057.4(BLM):c.1756C>A (p.Pro586Thr)

Gene: BLM (BLM RecQ like helicase; plus strand). Cytogenetic location: 15q26.1.
Variant type: single nucleotide variant.
Coding change: c.1756C>A on transcript NM_000057.4 (MANE Select); coding-DNA position 1756, C replaced by A.
Protein change: p.Pro586Thr; replaces proline 586 with threonine.
Molecular consequence: missense variant.
Genome position (GRCh38, 1-based): chr15:90,761,129, C>A. VCF-style: chr15-90761129-C-A. GRCh37 (hg19) VCF-style: chr15-91304359-C-A.
Other names: c.1756C>A, p.Pro586Thr (NM_001287246.2, NM_001287247.2); c.631C>A, p.Pro211Thr (NM_001287248.2); short protein forms P211T, P586T.
Identifiers: ClinVar variation 2452526 (VCV002452526.2), dbSNP rs1895975290, ClinGen allele CA393843775.